The following is an entry in ClinVar:

NM_000141.5(FGFR2):c.1891A>G (p.Asn631Asp)

Gene: FGFR2 (fibroblast growth factor receptor 2; minus strand). Cytogenetic location: 10q26.13.
Variant type: single nucleotide variant.
Coding change: c.1891A>G on transcript NM_000141.5 (MANE Select); coding-DNA position 1891, A replaced by G.
Protein change: p.Asn631Asp; replaces asparagine 631 with aspartic acid.
Molecular consequence: missense variant. On other transcripts: non-coding transcript variant (1).
Genome position (GRCh38, 1-based): chr10:121,488,086, T>C on the plus strand (A>G on the coding strand, the complement: FGFR2 is on the minus strand). VCF-style: chr10-121488086-T-C. GRCh37 (hg19) VCF-style: chr10-123247600-T-C.
Other names: c.1894A>G, p.Asn632Asp (NM_001144913.1, NM_022970.4); c.1555A>G, p.Asn519Asp (NM_001144914.1); c.1624A>G, p.Asn542Asp (NM_001144915.2, NM_023029.3); c.1546A>G, p.Asn516Asp (NM_001144916.2); c.1543A>G, p.Asn515Asp (NM_001144917.2); c.1540A>G, p.Asn514Asp (NM_001144918.2); c.1627A>G, p.Asn543Asp (NM_001144919.2); c.1207A>G, p.Asn403Asp (NM_001320654.2); and 1 more; short protein forms N403D, N514D, N515D, N516D, N519D, N542D, N543D, N629D.
Identifiers: ClinVar variation 1329626 (VCV001329626.2), dbSNP rs2133838683, ClinGen allele CA378314923.

ClinVar aggregate classification (germline): Uncertain significance (1 of 4 stars; one submission).

Submission:

GeneDx
Classification: Uncertain significance. Last evaluated: 2021-06-24. Review status: criteria provided, single submitter. Criteria: GeneDx Variant Classification Process June 2021. Collection method: clinical testing. Allele origin: germline. Affected: yes.
Comment: Not observed at significant frequency in large population cohorts (Lek et al., 2016); In silico analysis supports that this missense variant has a deleterious effect on protein structure/function; Has not been previously published as pathogenic or benign to our knowledge; This variant is associated with the following publications: (PMID: 27535533)